The following is an entry in ClinVar:

NM_012330.4(KAT6B):c.3770C>G (p.Ser1257Cys)

Gene: KAT6B (lysine acetyltransferase 6B; plus strand). Cytogenetic location: 10q22.2.
Variant type: single nucleotide variant.
Coding change: c.3770C>G on transcript NM_012330.4 (MANE Select); coding-DNA position 3770, C replaced by G.
Protein change: p.Ser1257Cys; replaces serine 1257 with cysteine.
Molecular consequence: missense variant.
Genome position (GRCh38, 1-based): chr10:75,028,594, C>G. VCF-style: chr10-75028594-C-G. GRCh37 (hg19) VCF-style: chr10-76788352-C-G.
Other names: c.3221C>G, p.Ser1074Cys (NM_001256468.2, NM_001370138.1); c.2894C>G, p.Ser965Cys (NM_001256469.2, NM_001370139.1, NM_001370140.1 and 2 more transcripts); c.2732C>G, p.Ser911Cys (NM_001370132.1); c.2081C>G, p.Ser694Cys (NM_001370133.1); c.1685C>G, p.Ser562Cys (NM_001370134.1); c.1427C>G, p.Ser476Cys (NM_001370135.1); c.3770C>G, p.Ser1257Cys (NM_001370136.1, NM_001370137.1); c.2705C>G, p.Ser902Cys (NM_001370143.1, NM_001370144.1); short protein forms S1074C, S476C, S911C, S965C, S1257C, S562C, S694C, S902C.
Identifiers: ClinVar variation 1480066 (VCV001480066.7), dbSNP rs1424209939, ClinGen allele CA377291708.

ClinVar aggregate classification (germline): Uncertain significance. Review status: criteria provided, multiple submitters, no conflicts (2 of 4 stars). 2 submissions from 2 submitters: Uncertain significance (2). Last evaluated 2023-12-06.

Conditions:
Genitopatellar syndrome (GTPTS). Also called: Genitopatellar syndrome (GPS); ABSENT PATELLAE, SCROTAL HYPOPLASIA, RENAL ANOMALIES, FACIAL DYSMORPHISM, AND MENTAL RETARDATION. Identifiers: Orphanet 85201, MedGen C1853566, MONDO:0011640, OMIM 606170.

gnomAD v4.1: 1 of 1,614,212 alleles (0.000062%); highest among the groups gnomAD compares: Non-Finnish European, 0.000085%; no homozygotes.

Submissions (2):

Labcorp Genetics (formerly Invitae), Labcorp
Classification: Uncertain significance for Genitopatellar syndrome. Last evaluated: 2023-12-06. Review status: criteria provided, single submitter. Criteria: Invitae Variant Classification Sherloc (09022015). Collection method: clinical testing. Allele origin: germline.
Comment: This sequence change replaces serine, which is neutral and polar, with cysteine, which is neutral and slightly polar, at codon 1257 of the KAT6B protein (p.Ser1257Cys). This variant is not present in population databases (gnomAD no frequency). This variant has not been reported in the literature in individuals affected with KAT6B-related conditions. ClinVar contains an entry for this variant (Variation ID: 1480066). Advanced modeling of protein sequence and biophysical properties (such as structural, functional, and spatial information, amino acid conservation, physicochemical variation, residue mobility, and thermodynamic stability) performed at Invitae indicates that this missense variant is not expected to disrupt KAT6B protein function with a negative predictive value of 80%. In summary, the available evidence is currently insufficient to determine the role of this variant in disease. Therefore, it has been classified as a Variant of Uncertain Significance.

Blueprint Genetics
Classification: Uncertain significance. Last evaluated: 2023-05-22. Review status: criteria provided, single submitter. Criteria: ACMG Guidelines, 2015. Collection method: clinical testing. Allele origin: germline.